The following is an entry in ClinVar:

NM_020297.4(ABCC9):c.1321-287A>G

Gene: ABCC9 (ATP binding cassette subfamily C member 9; minus strand). Cytogenetic location: 12p12.1.
Variant type: single nucleotide variant.
Coding change: c.1321-287A>G on transcript NM_020297.4 (MANE Select); 287 bases into the intron before coding-DNA position 1321, A replaced by G.
Molecular consequence: intron variant.
Genome position (GRCh38, 1-based): chr12:21,908,498, T>C on the plus strand (A>G on the coding strand, the complement: ABCC9 is on the minus strand). VCF-style: chr12-21908498-T-C. GRCh37 (hg19) VCF-style: chr12-22061432-T-C.
Other names: c.457-287A>G (NM_001377274.1); c.1321-287A>G (NM_005691.4, NM_001377273.1).
Identifiers: ClinVar variation 681188 (VCV000681188.1), dbSNP rs10770864, ClinGen allele CA233634164.
Genomic context (GRCh38, chr12:21,908,498, plus strand): 5'-AATGTATTTTTAGTATGATAATCTGTACAACTGATGTCAAACCAATGTATTGCATGAATT[T>C]GCAAAGTGGTCCCATGACACTTCCAACCTTTTAAGTAGTCTTCAGATTTTTAAAAGGGCA-3'

ClinVar aggregate classification (germline): Benign (1 of 4 stars; one submission).

Allele frequency attached by ClinVar (database versions not stated): 1000 Genomes Project 30x 0.99703; 1000 Genomes Project 0.99780; gnomAD 0.99827 and 0.99836; TOPMed 0.99831.
gnomAD v4.1: 151,781 of 152,028 alleles (100%); highest among the groups gnomAD compares: Middle Eastern, 100%; 75,767 homozygotes.

Submission:

GeneDx
Classification: Benign. Last evaluated: 2018-06-14. Review status: criteria provided, single submitter. Criteria: GeneDx Variant Classification (06012015). Collection method: clinical testing. Allele origin: germline. Affected: yes.
Comment: This variant is considered likely benign or benign based on one or more of the following criteria: it is a conservative change, it occurs at a poorly conserved position in the protein, it is predicted to be benign by multiple in silico algorithms, and/or has population frequency not consistent with disease.